The following is an entry in ClinVar:

NM_003482.4(KMT2D):c.6695G>T (p.Gly2232Val)

Gene: KMT2D (lysine methyltransferase 2D; minus strand). Cytogenetic location: 12q13.12.
Variant type: single nucleotide variant.
Coding change: c.6695G>T on transcript NM_003482.4 (MANE Select); coding-DNA position 6695, G replaced by T.
Protein change: p.Gly2232Val; replaces glycine 2232 with valine.
Molecular consequence: missense variant.
Genome position (GRCh38, 1-based): chr12:49,041,075, C>A on the plus strand (G>T on the coding strand, the complement: KMT2D is on the minus strand). VCF-style: chr12-49041075-C-A. GRCh37 (hg19) VCF-style: chr12-49434858-C-A.
Other names: short protein forms G2232V.
Identifiers: ClinVar variation 3635143 (VCV003635143.2).
Genomic context (GRCh38, chr12:49,041,075, plus strand): 5'-AGCGAGGGGCAGCGGGGTTTGAGGAATGGGTCAGGTGTGGAGGGCTGGTGTCTGGGGGTG[C>A]CAGGTGGGGTAGTGTGGAATTCCCCTGGCTGGCCAGCCCCAGGACGAGATGAGGCGCCCA-3'
Protein context (NP_003473.3, residues 2222-2242): QPGEFHTTPP[Gly2232Val]TPRHQPSTPD

ClinVar aggregate classification (germline): Uncertain significance (1 of 4 stars; one submission).

Conditions:
Kabuki syndrome. Also called: NIIKAWA-KUROKI SYNDROME; Kabuki make-up syndrome. Identifiers: Orphanet 2322, MedGen C0796004, MONDO:0016512.

Submission:

Labcorp Genetics (formerly Invitae), Labcorp
Classification: Uncertain significance for Kabuki syndrome. Last evaluated: 2024-05-23. Review status: criteria provided, single submitter. Criteria: Invitae Variant Classification Sherloc (09022015). Collection method: clinical testing. Allele origin: germline.
Comment: This sequence change replaces glycine, which is neutral and non-polar, with valine, which is neutral and non-polar, at codon 2232 of the KMT2D protein (p.Gly2232Val). This variant is not present in population databases (gnomAD no frequency). This variant has not been reported in the literature in individuals affected with KMT2D-related conditions. Advanced modeling of protein sequence and biophysical properties (such as structural, functional, and spatial information, amino acid conservation, physicochemical variation, residue mobility, and thermodynamic stability) performed at Invitae indicates that this missense variant is not expected to disrupt KMT2D protein function with a negative predictive value of 95%. In summary, the available evidence is currently insufficient to determine the role of this variant in disease. Therefore, it has been classified as a Variant of Uncertain Significance.